The following is an entry in ClinVar:

NM_005476.7(GNE):c.1031T>A (p.Leu344Ter)

Gene: GNE (glucosamine (UDP-N-acetyl)-2-epimerase/N-acetylmannosamine kinase; minus strand). Cytogenetic location: 9p13.3.
Variant type: single nucleotide variant.
Coding change: c.1031T>A on transcript NM_005476.7 (MANE Select); coding-DNA position 1031, T replaced by A.
Protein change: p.Leu344Ter; replaces leucine 344 with a stop codon.
Molecular consequence: nonsense.
Genome position (GRCh38, 1-based): chr9:36,229,060, A>T on the plus strand (T>A on the coding strand, the complement: GNE is on the minus strand). VCF-style: chr9-36229060-A-T. GRCh37 (hg19) VCF-style: chr9-36229057-A-T.
Other names: c.1124T>A, p.Leu375Ter (NM_001128227.3); c.1031T>A, p.Leu344Ter (NM_001190383.3); c.701T>A, p.Leu234Ter (NM_001190384.3); c.854T>A, p.Leu285Ter (NM_001190388.2, NM_001374798.1); c.878T>A, p.Leu293Ter (NM_001374797.1); short protein forms L234*, L285*, L293*, L344*, L375*.
Identifiers: ClinVar variation 1725092 (VCV001725092.2), dbSNP rs2489680991, ClinGen allele CA373430003.

ClinVar aggregate classification (germline): Likely pathogenic (1 of 4 stars; one submission).

Conditions:
GNE myopathy (NM). Also called: MYOPATHY, DISTAL, WITH OR WITHOUT RIMMED VACUOLES; IBM 2; Inclusion body myopathy autosomal recessive; Inclusion body myopathy quadriceps sparing; NONAKA DISTAL MYOPATHY; INCLUSION BODY MYOPATHY, HEREDITARY, AUTOSOMAL RECESSIVE. Identifiers: Orphanet 602, MedGen C1853926, MONDO:0011603, OMIM 605820.

Submission:

Myriad Genetics, Inc.
Classification: Likely pathogenic for GNE myopathy. Last evaluated: 2022-03-08. Review status: criteria provided, single submitter. Criteria: Myriad Women's Health Autosomal Recessive and X-Linked Classification Criteria (2021). Collection method: clinical testing. Allele origin: unknown.
Comment: NM_001128227.2(GNE):c.1124T>A(L375*) is expected to be pathogenic in the context of GNE myopathy. This variant is predicted to lead to an abnormal or absent protein product due to the creation of a premature termination codon in GNE, a gene where loss-of-function variants are known to be pathogenic. Please note: this variant was assessed in the context of healthy population screening.